The following is an entry in ClinVar:

NM_001271.4(CHD2):c.2159_2166dup (p.Ala723fs)

Gene: CHD2 (chromodomain helicase DNA binding protein 2; plus strand). Cytogenetic location: 15q26.1.
Variant type: Duplication.
Coding change: c.2159_2166dup on transcript NM_001271.4 (MANE Select); coding-DNA positions 2159 to 2166, 8 bases duplicated (AGATGTCA; older notation c.2159_2166dupAGATGTCA).
Protein change: p.Ala723fs; shifts the reading frame from alanine 723.
Molecular consequence: frameshift variant.
Genome position (GRCh38, 1-based): chr15:92,967,483-92,967,490, AGATGTCA duplicated. VCF-style (leftmost placement, unchanged base first): chr15-92967482-G-GAGATGTCA. GRCh37 (hg19) VCF-style: chr15-93510712-G-GAGATGTCA.
Other names: short protein forms A723fs.
Identifiers: ClinVar variation 3642399 (VCV003642399.2).

ClinVar aggregate classification (germline): Pathogenic (1 of 4 stars; one submission).

Conditions:
Developmental and epileptic encephalopathy 94 (DEE94). Also called: Epileptic encephalopathy, childhood-onset; CHD2-Related Neurodevelopmental Disorders. Identifiers: Orphanet 1942, Orphanet 2382, MedGen C3809278, MONDO:0014150, OMIM 615369.

Submission:

Labcorp Genetics (formerly Invitae), Labcorp
Classification: Pathogenic for Developmental and epileptic encephalopathy 94. Last evaluated: 2024-02-22. Review status: criteria provided, single submitter. Criteria: Invitae Variant Classification Sherloc (09022015). Collection method: clinical testing. Allele origin: germline.
Comment: This sequence change creates a premature translational stop signal (p.Ala723Argfs*14) in the CHD2 gene. It is expected to result in an absent or disrupted protein product. Loss-of-function variants in CHD2 are known to be pathogenic (PMID: 23708187, 24207121). This variant is not present in population databases (gnomAD no frequency). This variant has not been reported in the literature in individuals affected with CHD2-related conditions. For these reasons, this variant has been classified as Pathogenic.

Literature cited by the submitters: PubMed 23708187; PubMed 24207121.